The following is an entry in ClinVar:

ClinVar aggregate classification (germline): Uncertain significance (1 of 4 stars; one submission).

Conditions:
CEP164-related disorder. Also called: CEP164-related condition.

Submission:

PreventionGenetics, part of Exact Sciences
Classification: Uncertain significance for CEP164-related condition. Last evaluated: 2026-08-17. Review status: criteria provided, single submitter. Criteria: ACMG Guidelines, 2015. Collection method: clinical testing. Allele origin: germline.
Comment: The CEP164 c.2503C>T variant is predicted to result in the amino acid substitution p.Leu835Phe. To our knowledge, this variant has not been reported in the literature or in a large population database (gnomAD), indicating this variant is rare. At this time, the clinical significance of this variant is uncertain due to the absence of conclusive functional and genetic evidence.

NM_014956.5(CEP164):c.2503C>T (p.Leu835Phe)

Gene: CEP164 (centrosomal protein 164; plus strand). Cytogenetic location: 11q23.3.
Variant type: single nucleotide variant.
Coding change: c.2503C>T on transcript NM_014956.5 (MANE Select); coding-DNA position 2503, C replaced by T.
Protein change: p.Leu835Phe; replaces leucine 835 with phenylalanine.
Molecular consequence: missense variant.
Genome position (GRCh38, 1-based): chr11:117,393,013, C>T. VCF-style: chr11-117393013-C-T. GRCh37 (hg19) VCF-style: chr11-117263729-C-T.
Other names: c.2512C>T, p.Leu838Phe (NM_001271933.2, NM_001440949.1); c.2503C>T, p.Leu835Phe (NM_001440950.1, NM_001440951.1, NM_001440953.1); c.2338C>T, p.Leu780Phe (NM_001440952.1, NM_001440968.1, NM_001440969.1); c.2425C>T, p.Leu809Phe (NM_001440954.1, NM_001440955.1, NM_001440958.1 and 1 more transcripts); c.2416C>T, p.Leu806Phe (NM_001440956.1, NM_001440957.1); c.2374C>T, p.Leu792Phe (NM_001440960.1); c.2365C>T, p.Leu789Phe (NM_001440961.1, NM_001440967.1); c.2356C>T, p.Leu786Phe (NM_001440962.1, NM_001440963.1, NM_001440964.1 and 4 more transcripts); and 7 more; short protein forms L765F, L835F, L782F, L806F, L690F, L716F, L710F, L739F.
Identifiers: ClinVar variation 4993702 (VCV004993702.1).
Genomic context (GRCh38, chr11:117,393,013, plus strand): 5'-TGCTGGTCCGCCTCGGTTCTTCATGCCACATCCCTGCCATCTCCCCTGCAGCTCAGCAGT[C>T]TCCTGCGAGAGAAGCGCCAGGAAGTGGAAGGGGAGCATGAGAGGAGGTTGGACAAGATGA-3'
Protein context (NP_055771.4, residues 825-845): VAGYEHELSS[Leu835Phe]LREKRQEVEG